The following is an entry in ClinVar:

ClinVar aggregate classification (germline): Uncertain significance. Review status: criteria provided, multiple submitters, no conflicts (2 of 4 stars). 6 submissions from 6 submitters: Uncertain significance (5). 1 of the submissions does not count toward it. Last evaluated 2026-07-22.

Conditions:
Retinitis pigmentosa 26 (RP26). Identifiers: Orphanet 791, MedGen C1842127, MONDO:0012024, OMIM 608380.
CERKL-related disorder. Also called: CERKL-related condition.
Inborn genetic diseases. Identifiers: MedGen C0950123, MeSH D030342.

Allele frequency attached by ClinVar (database versions not stated): gnomAD exomes 0.00006 and 0.00009; ExAC 0.00010; 1000 Genomes Project 30x 0.00016; gnomAD 0.00017 and 0.00018; TOPMed 0.00019; 1000 Genomes Project 0.00020.
gnomAD v4.1: 120 of 1,612,408 alleles (0.0074%); highest among the groups gnomAD compares: African/African-American, 0.031%; no homozygotes.

Submissions (6):

PreventionGenetics, part of Exact Sciences
Classification: Uncertain significance for CERKL-related condition. Last evaluated: 2026-07-22. Review status: criteria provided, single submitter. Criteria: ACMG Guidelines, 2015. Collection method: clinical testing. Allele origin: germline.
Comment: The CERKL c.314G>A variant is predicted to result in the amino acid substitution p.Arg105Gln. To our knowledge, this variant has not been reported in the literature. This variant is reported in 0.035% of alleles in individuals of East Asian descent in gnomAD. At this time, the clinical significance of this variant is uncertain due to the absence of conclusive functional and genetic evidence.

Labcorp Genetics (formerly Invitae), Labcorp
Classification: Uncertain significance. Last evaluated: 2024-12-02. Review status: criteria provided, single submitter. Criteria: Invitae Variant Classification Sherloc (09022015). Collection method: clinical testing. Allele origin: germline.
Comment: This sequence change replaces arginine, which is basic and polar, with glutamine, which is neutral and polar, at codon 105 of the CERKL protein (p.Arg105Gln). This variant is present in population databases (rs529313774, gnomAD 0.04%). This variant has not been reported in the literature in individuals affected with CERKL-related conditions. ClinVar contains an entry for this variant (Variation ID: 972617). Invitae Evidence Modeling of protein sequence and biophysical properties (such as structural, functional, and spatial information, amino acid conservation, physicochemical variation, residue mobility, and thermodynamic stability) has been performed for this missense variant. However, the output from this modeling did not meet the statistical confidence thresholds required to predict the impact of this variant on CERKL protein function. In summary, the available evidence is currently insufficient to determine the role of this variant in disease. Therefore, it has been classified as a Variant of Uncertain Significance.

Blueprint Genetics
Classification: Uncertain significance. Last evaluated: 2023-05-25. Review status: criteria provided, single submitter. Criteria: ACMG Guidelines, 2015. Collection method: clinical testing. Allele origin: germline.

Ambry Genetics
Classification: Uncertain significance for Inborn genetic diseases. Last evaluated: 2022-07-13. Review status: criteria provided, single submitter. Criteria: Ambry Variant Classification Scheme 2023. Collection method: clinical testing. Allele origin: germline.

Fulgent Genetics
Classification: Uncertain significance for Retinitis pigmentosa 26. Last evaluated: 2021-11-02. Review status: criteria provided, single submitter. Criteria: ACMG Guidelines, 2015. Collection method: clinical testing. Allele origin: unknown.

Natera, Inc.
Classification: Uncertain significance for Retinitis pigmentosa type 26. Last evaluated: 2020-08-26. Review status: no assertion criteria provided. Collection method: clinical testing. Allele origin: germline. Not counted in ClinVar's aggregate classification.

NM_201548.5(CERKL):c.314G>A (p.Arg105Gln)

Gene: CERKL (CERK like autophagy regulator; minus strand). Cytogenetic location: 2q31.3.
Variant type: single nucleotide variant.
Coding change: c.314G>A on transcript NM_201548.5 (MANE Select); coding-DNA position 314, G replaced by A.
Protein change: p.Arg105Gln; replaces arginine 105 with glutamine.
Molecular consequence: missense variant. On other transcripts: non-coding transcript variant (2).
Genome position (GRCh38, 1-based): chr2:181,604,004, C>T on the plus strand (G>A on the coding strand, the complement: CERKL is on the minus strand). VCF-style: chr2-181604004-C-T. GRCh37 (hg19) VCF-style: chr2-182468731-C-T.
Other names: c.314G>A, p.Arg105Gln (NM_001030311.3, NM_001030312.3, NM_001030313.3 and 1 more transcripts); short protein forms R105Q.
Identifiers: ClinVar variation 972617 (VCV000972617.10), dbSNP rs529313774, ClinGen allele CA2010868.